The following is an entry in ClinVar:

NM_000540.3(RYR1):c.12726C>T (p.Phe4242=)

Gene: RYR1 (ryanodine receptor 1; plus strand). Cytogenetic location: 19q13.2.
Variant type: single nucleotide variant.
Coding change: c.12726C>T on transcript NM_000540.3 (MANE Select); coding-DNA position 12726, C replaced by T.
Protein change: p.Phe4242=; no amino-acid change (phenylalanine 4242 retained).
Molecular consequence: synonymous variant.
Genome position (GRCh38, 1-based): chr19:38,565,060, C>T. VCF-style: chr19-38565060-C-T. GRCh37 (hg19) VCF-style: chr19-39055700-C-T.
Other names: c.12711C>T, p.Phe4237= (NM_001042723.2).
Identifiers: ClinVar variation 695716 (VCV000695716.9), dbSNP rs1599634067, ClinGen allele CA507355473.

ClinVar aggregate classification (germline): Likely benign. Review status: criteria provided, multiple submitters, no conflicts (2 of 4 stars). 2 submissions from 2 submitters: Likely benign (2). Last evaluated 2023-06-26.

Conditions:
Malignant hyperthermia, susceptibility to, 1 (MHS1). Also called: RYR1-Related Malignant Hyperthermia Susceptibility; Anesthesia related hyperthermia; Malignant hyperpyrexia; Fulminating hyperpyrexia; Pharmacogenic myopathy; Malignant hyperthermia suceptibility 1. Identifiers: Orphanet 423, MedGen C2930980, MONDO:0007783, OMIM 145600.
RYR1-related disorder. Also called: RYR1-related disorders; RYR1-related condition. Identifiers: MedGen CN239331.

Allele frequency attached by ClinVar (database versions not stated): gnomAD exomes below 0.00001.
gnomAD v4.1: 2 of 1,568,442 alleles (0.00013%); highest among the groups gnomAD compares: Non-Finnish European, 0.00017%; no homozygotes.

Submissions (2):

All of Us Research Program, National Institutes of Health
Classification: Likely benign for Malignant hyperthermia, susceptibility to, 1. Last evaluated: 2023-06-26. Review status: criteria provided, single submitter. Criteria: ACMG Guidelines, 2015. Collection method: clinical testing. Allele origin: germline. Inheritance: Autosomal dominant inheritance. Observed: 1 variant allele, 1 heterozygote.
Comment: This study involves interpretation of variants in research participants for the purpose of population health screening. Participant phenotype was not available at the time of variant classification. Additional details can be found in publication PMID: 35346344, PMCID: PMC8962531

Labcorp Genetics (formerly Invitae), Labcorp
Classification: Likely benign for RYR1-related disorder. Last evaluated: 2020-12-23. Review status: criteria provided, single submitter. Criteria: Invitae Variant Classification Sherloc (09022015). Collection method: clinical testing. Allele origin: germline.